The following is an entry in ClinVar:

ClinVar aggregate classification (germline): Benign/Likely benign. Review status: criteria provided, multiple submitters, no conflicts (2 of 4 stars). 4 submissions from 4 submitters: Benign (1); Likely benign (3). Last evaluated 2026-01-21.

Conditions:
Marfan syndrome (MFS). Also called: MARFAN SYNDROME, TYPE I; FBN1-Related Marfan Syndrome; Marfan syndrome type 1; Marfan's syndrome; Marfan syndrome, classic. Identifiers: Orphanet 284963, Orphanet 558, MedGen C0024796, MONDO:0007947, OMIM 154700.
Familial thoracic aortic aneurysm and aortic dissection (TAAD). Also called: Thoracic aortic aneurysms and dissections. Identifiers: Orphanet 91387, MedGen C4707243, MONDO:0019625.

Submissions (4):

Labcorp Genetics (formerly Invitae), Labcorp
Classification: Benign for Marfan syndrome; Familial thoracic aortic aneurysm and aortic dissection. Last evaluated: 2026-01-21. Review status: criteria provided, single submitter. Criteria: Invitae Variant Classification Sherloc (09022015). Collection method: clinical testing. Allele origin: germline.

Women's Health and Genetics/Laboratory Corporation of America, LabCorp
Classification: Likely benign. Last evaluated: 2024-09-16. Review status: criteria provided, single submitter. Criteria: LabCorp Variant Classification Summary - May 2015. Collection method: clinical testing. Allele origin: germline.
Comment: Variant summary: FBN1 c.5545+14delC alters a conserved nucleotide located at a position not widely known to affect splicing. Consensus agreement among computation tools predict no significant impact on normal splicing. However, these predictions have yet to be confirmed by functional studies. The variant allele was found at a frequency of 4.4e-05 in 251242 control chromosomes, predominantly at a frequency of 0.00037 within the African or African-American subpopulation in the gnomAD database. The available data on variant occurrences in the general population are insufficient to allow any conclusion about variant significance. To our knowledge, no occurrence of c.5545+14delC in individuals affected with Marfan Syndrome and no experimental evidence demonstrating its impact on protein function have been reported. ClinVar contains an entry for this variant (Variation ID: 668573). Based on the evidence outlined above, the variant was classified as likely benign.

Blueprint Genetics
Classification: Likely benign. Last evaluated: 2023-06-20. Review status: criteria provided, single submitter. Criteria: ACMG Guidelines, 2015. Collection method: clinical testing. Allele origin: germline.

GeneDx
Classification: Likely benign. Last evaluated: 2018-05-22. Review status: criteria provided, single submitter. Criteria: GeneDx Variant Classification (06012015). Collection method: clinical testing. Allele origin: germline. Affected: yes.
Comment: This variant is considered likely benign or benign based on one or more of the following criteria: it is a conservative change, it occurs at a poorly conserved position in the protein, it is predicted to be benign by multiple in silico algorithms, and/or has population frequency not consistent with disease.

NM_000138.5(FBN1):c.5545+14del

Gene: FBN1 (fibrillin 1; minus strand). Cytogenetic location: 15q21.1.
Variant type: Deletion.
Coding change: c.5545+14del on transcript NM_000138.5 (MANE Select); 14 bases into the intron after coding-DNA position 5545, one base deleted (C; older notation c.5545+14delC).
Molecular consequence: intron variant.
Genome position (GRCh38, 1-based): chr15:48,452,548, G deleted on the plus strand (C on the coding strand, the reverse complement: FBN1 is on the minus strand); the first of 4 consecutive G bases (chr15:48,452,548-48,452,551); deleting any one gives the same sequence. VCF-style (leftmost placement, unchanged base first): chr15-48452547-TG-T. GRCh37 (hg19) VCF-style: chr15-48744744-TG-T.
Other names: c.5545+14delC (NM_000138.5).
Identifiers: ClinVar variation 668573 (VCV000668573.7), dbSNP rs748182794, ClinGen allele CA055150.